The following is an entry in ClinVar:

ClinVar aggregate classification (germline): Uncertain significance (1 of 4 stars; one submission).

Conditions:
Hereditary spastic paraplegia 11. Also called: Nakamura Osame syndrome; Autosomal recessive hereditary spastic paraplegia, mental impairment, and thin corpus callosum; SPASTIC PARAPLEGIA, AUTOSOMAL RECESSIVE, COMPLICATED, WITH THIN CORPUS CALLOSUM; SPASTIC PARAPLEGIA, AUTOSOMAL RECESSIVE, WITH MENTAL IMPAIRMENT AND THIN CORPUS CALLOSUM; Spastic paraplegia, mental retardation and thin corpus callosum; Spastic Paraplegia 11. Identifiers: Orphanet 2822, MedGen C1858479, MONDO:0011445, OMIM 604360.

Submission:

Labcorp Genetics (formerly Invitae), Labcorp
Classification: Uncertain significance for Hereditary spastic paraplegia 11. Last evaluated: 2019-03-05. Review status: criteria provided, single submitter. Criteria: Invitae Variant Classification Sherloc (09022015). Collection method: clinical testing. Allele origin: germline.
Comment: This variant has not been reported in the literature in individuals with SPG11-related conditions. This sequence change replaces threonine with isoleucine at codon 1169 of the SPG11 protein (p.Thr1169Ile). The threonine residue is moderately conserved and there is a moderate physicochemical difference between threonine and isoleucine. This variant is not present in population databases (ExAC no frequency). Algorithms developed to predict the effect of missense changes on protein structure and function are either unavailable or do not agree on the potential impact of this missense change (SIFT: "Tolerated"; PolyPhen-2: "Probably Damaging"; Align-GVGD: "Class C0"). In summary, the available evidence is currently insufficient to determine the role of this variant in disease. Therefore, it has been classified as a Variant of Uncertain Significance.

NM_025137.4(SPG11):c.3506C>T (p.Thr1169Ile)

Gene: SPG11 (SPG11 vesicle trafficking associated, spatacsin; minus strand). Cytogenetic location: 15q21.1.
Variant type: single nucleotide variant.
Coding change: c.3506C>T on transcript NM_025137.4 (MANE Select); coding-DNA position 3506, C replaced by T.
Protein change: p.Thr1169Ile; replaces threonine 1169 with isoleucine.
Molecular consequence: missense variant.
Genome position (GRCh38, 1-based): chr15:44,606,039, G>A on the plus strand (C>T on the coding strand, the complement: SPG11 is on the minus strand). VCF-style: chr15-44606039-G-A. GRCh37 (hg19) VCF-style: chr15-44898237-G-A.
Other names: c.3506C>T, p.Thr1169Ile (NM_001160227.2); short protein forms T1169I.
Identifiers: ClinVar variation 852406 (VCV000852406.8), dbSNP rs2083309611, ClinGen allele CA392223777.